The following is an entry in ClinVar:

NM_000441.2(SLC26A4):c.1160C>T (p.Ala387Val)

Gene: SLC26A4 (solute carrier family 26 member 4; plus strand). Cytogenetic location: 7q22.3.
Variant type: single nucleotide variant.
Coding change: c.1160C>T on transcript NM_000441.2 (MANE Select); coding-DNA position 1160, C replaced by T.
Protein change: p.Ala387Val; replaces alanine 387 with valine.
Molecular consequence: missense variant.
Genome position (GRCh38, 1-based): chr7:107,690,134, C>T. VCF-style: chr7-107690134-C-T. GRCh37 (hg19) VCF-style: chr7-107330579-C-T.
Other names: short protein forms A387V.
Identifiers: ClinVar variation 370578 (VCV000370578.14), dbSNP rs777333979, ClinGen allele CA4432713.

ClinVar aggregate classification (germline): Pathogenic/Likely pathogenic. Review status: criteria provided, multiple submitters, no conflicts (2 of 4 stars). 3 submissions from 3 submitters: Pathogenic (1); Likely pathogenic (1). 1 of the submissions does not count toward it. Last evaluated 2024-02-06.

Conditions:
Pendred syndrome (PDS). Also called: HYPOTHYROIDISM, CONGENITAL, DUE TO DYSHORMONOGENESIS, 2B; Pendred's syndrome; THYROID DYSHORMONOGENESIS 2B; THYROID HORMONOGENESIS, GENETIC DEFECT IN, 2B; Pendred Syndrome (PDS); DEAFNESS WITH GOITER. Identifiers: Orphanet 705, MedGen C0271829, MONDO:0010134, OMIM 274600.
Autosomal recessive nonsyndromic hearing loss 4 (DFNB4). Also called: DEAFNESS, AUTOSOMAL RECESSIVE 4, WITH ENLARGED VESTIBULAR AQUEDUCT, DIGENIC; Deafness, autosomal recessive 4; Enlarged vestibular aqueduct, digenic; FOXI1-Related Pendred Syndrome; KCNJ10-Related Pendred Syndrome; Deafness, autosomal recessive 4, with enlarged vestibular aqueduct. Identifiers: Orphanet 90636, MedGen C3538946, MONDO:0010933, OMIM 600791.

Allele frequency attached by ClinVar (database versions not stated): TOPMed 0.00002.
gnomAD v4.1: 1 of 1,601,470 alleles (0.000062%); highest among the groups gnomAD compares: East Asian, 0.0022%; no homozygotes.

Submissions (3):

Baylor Genetics
Classification: Likely pathogenic for Autosomal recessive nonsyndromic hearing loss 4. Last evaluated: 2024-02-06. Review status: criteria provided, single submitter. Criteria: ACMG Guidelines, 2015. Collection method: clinical testing. Allele origin: unknown.

Labcorp Genetics (formerly Invitae), Labcorp
Classification: Pathogenic. Last evaluated: 2023-09-23. Review status: criteria provided, single submitter. Criteria: Invitae Variant Classification Sherloc (09022015). Collection method: clinical testing. Allele origin: germline.
Comment: This sequence change replaces alanine, which is neutral and non-polar, with valine, which is neutral and non-polar, at codon 387 of the SLC26A4 protein (p.Ala387Val). This variant is present in population databases (rs777333979, gnomAD 0.006%). For these reasons, this variant has been classified as Pathogenic. Advanced modeling of protein sequence and biophysical properties (such as structural, functional, and spatial information, amino acid conservation, physicochemical variation, residue mobility, and thermodynamic stability) performed at Invitae indicates that this missense variant is expected to disrupt SLC26A4 protein function. ClinVar contains an entry for this variant (Variation ID: 370578). This missense change has been observed in individuals with SLC26A4-related conditions (PMID: 15933521, 22796198, 25372295).

Counsyl
Classification: Likely pathogenic for Pendred syndrome. Last evaluated: 2016-03-01. Review status: no assertion criteria provided. Collection method: clinical testing. Allele origin: unknown. Not counted in ClinVar's aggregate classification.

Literature cited by the submitters: PubMed 15933521 (cited by Labcorp Genetics (formerly Invitae), Labcorp); PubMed 22796198 (cited by Labcorp Genetics (formerly Invitae), Labcorp and Counsyl); PubMed 25372295 (cited by Labcorp Genetics (formerly Invitae), Labcorp and Counsyl); PubMed 19648736 (cited by Counsyl); PubMed 17718863 (cited by Counsyl).